The following is an entry in ClinVar:

ClinVar aggregate classification (germline): Likely pathogenic (1 of 4 stars; one submission).

Conditions:
Long QT syndrome 2 (LQT2). Identifiers: Orphanet 101016, Orphanet 768, MedGen C3150943, MONDO:0013367, OMIM 613688.

Submission:

Juno Genomics, Hangzhou Juno Genomics, Inc
Classification: Likely pathogenic for Long QT syndrome 2. Review status: criteria provided, single submitter. Criteria: ACMG Guidelines, 2015. Collection method: clinical testing. Allele origin: germline.
Comment: Absent from controls (or at extremely low frequency if recessive) in Genome Aggregation Database.;Null variant in a gene where loss of function (LOF) is a known mechanism of disease.

NM_000238.4(KCNH2):c.2964del (p.Gly989fs)

Gene: KCNH2 (potassium voltage-gated channel subfamily H member 2; minus strand). Cytogenetic location: 7q36.1.
Variant type: Deletion.
Coding change: c.2964del on transcript NM_000238.4 (MANE Select); coding-DNA position 2964, one base deleted (A; older notation c.2964delA).
Protein change: p.Gly989fs; shifts the reading frame from glycine 989.
Molecular consequence: frameshift variant. On other transcripts: non-coding transcript variant (2).
Genome position (GRCh38, 1-based): chr7:150,947,607, T deleted on the plus strand (A on the coding strand, the reverse complement: KCNH2 is on the minus strand). VCF-style (leftmost placement, unchanged base first): chr7-150947606-CT-C. GRCh37 (hg19) VCF-style: chr7-150644694-CT-C.
Other names: c.2676del, p.Gly893fs (NM_001406753.1); c.1944del, p.Gly649fs (NM_172057.3); short protein forms G649fs, G893fs, G989fs.
Identifiers: ClinVar variation 3764662 (VCV003764662.3).